The following is an entry in ClinVar:

NM_015202.5(KATNIP):c.378C>A (p.Pro126=)

Gene: KATNIP (katanin interacting protein; plus strand). Cytogenetic location: 16p12.1.
Variant type: single nucleotide variant.
Coding change: c.378C>A on transcript NM_015202.5 (MANE Select); coding-DNA position 378, C replaced by A.
Protein change: p.Pro126=; no amino-acid change (proline 126 retained).
Molecular consequence: synonymous variant.
Genome position (GRCh38, 1-based): chr16:27,631,132, C>A. VCF-style: chr16-27631132-C-A. GRCh37 (hg19) VCF-style: chr16-27642453-C-A.
Identifiers: ClinVar variation 2580453 (VCV002580453.1), dbSNP rs1363855934, ClinGen allele CA494254659.

ClinVar aggregate classification (germline): Uncertain significance (1 of 4 stars; one submission).

Allele frequency attached by ClinVar (database versions not stated): gnomAD exomes below 0.00001.
gnomAD v4.1: 2 of 1,573,402 alleles (0.00013%); highest among the groups gnomAD compares: East Asian, 0.0023%; no homozygotes.

Submission:

GeneDx
Classification: Uncertain significance. Last evaluated: 2023-03-24. Review status: criteria provided, single submitter. Criteria: GeneDx Variant Classification Process June 2021. Collection method: clinical testing. Allele origin: germline. Affected: yes.
Comment: Not observed at significant frequency in large population cohorts (gnomAD); Has not been previously published as pathogenic or benign to our knowledge; In silico analysis suggests this variant may impact gene splicing. In the absence of RNA/functional studies, the actual effect of this sequence change is unknown.